The following is an entry in ClinVar:

NC_000023.10:g.(?_32519852)_(32867957_?)del

Gene: DMD (dystrophin; minus strand). Cytogenetic location: Xp21.1.
Variant type: Deletion.
Identifiers: ClinVar variation 2424907 (VCV002424907.5).

ClinVar aggregate classification (germline): Pathogenic (1 of 4 stars; one submission).

Conditions:
Duchenne muscular dystrophy (DMD). Also called: Duchenne Muscular Dystrophy (DMD); MUSCULAR DYSTROPHY, PSEUDOHYPERTROPHIC PROGRESSIVE, DUCHENNE TYPE. Identifiers: Orphanet 98896, MedGen C0013264, MONDO:0010679, OMIM 310200.

Submission:

Labcorp Genetics (formerly Invitae), Labcorp
Classification: Pathogenic for Duchenne muscular dystrophy. Last evaluated: 2023-10-17. Review status: criteria provided, single submitter. Criteria: Invitae Variant Classification Sherloc (09022015). Collection method: clinical testing. Allele origin: germline.
Comment: This variant is a gross deletion of the genomic region encompassing exon(s) 3-19 of the DMD gene. This deletion is out-of-frame, and is expected to create a premature termination codon and result in an absent or disrupted protein product. Loss-of-function variants in DMD are known to be pathogenic (PMID: 16770791, 25007885). A similar copy number variant has been observed in individual(s) with Duchenne muscular dystrophy (PMID: 9007319, 10392746, 12111668, 31705731). For these reasons, this variant has been classified as Pathogenic.

Literature cited by the submitters: PubMed 16770791; PubMed 25007885; PubMed 9007319; PubMed 10392746; PubMed 12111668; PubMed 31705731.